The following is an entry in ClinVar:

ClinVar aggregate classification (germline): Uncertain significance (1 of 4 stars; one submission).

Conditions:
Idiopathic generalized epilepsy. Also called: Generalised epilepsy; EIG. Identifiers: MedGen C0270850, MONDO:0005579, OMIM 600669.
Hyperaldosteronism, familial, type IV (HALD4). Also called: FH IV; ALDOSTERONISM, PRIMARY, AND HYPERTENSION. Identifiers: MONDO:0014875, OMIM 617027, Orphanet 642671, MedGen C4310756.

Allele frequency attached by ClinVar (database versions not stated): gnomAD 0.00001; TOPMed 0.00001.
gnomAD v4.1: 6 of 1,553,062 alleles (0.00039%); highest among the groups gnomAD compares: Non-Finnish European, 0.00044%; no homozygotes.

Submission:

Labcorp Genetics (formerly Invitae), Labcorp
Classification: Uncertain significance for Idiopathic generalized epilepsy; Hyperaldosteronism, familial, type IV. Last evaluated: 2019-04-25. Review status: criteria provided, single submitter. Criteria: Invitae Variant Classification Sherloc (09022015). Collection method: clinical testing. Allele origin: germline.
Comment: This sequence change replaces glutamic acid with glutamine at codon 583 of the CACNA1H protein (p.Glu583Gln). The glutamic acid residue is moderately conserved and there is a small physicochemical difference between glutamic acid and glutamine. The frequency data for this variant in the population databases is considered unreliable, as metrics indicate insufficient coverage at this position in the ExAC database. This variant has not been reported in the literature in individuals with CACNA1H-related conditions. Algorithms developed to predict the effect of missense changes on protein structure and function are either unavailable or do not agree on the potential impact of this missense change (SIFT: "Deleterious"; PolyPhen-2: "Probably Damaging"; Align-GVGD: "Class C0"). In summary, the available evidence is currently insufficient to determine the role of this variant in disease. Therefore, it has been classified as a Variant of Uncertain Significance.

NM_021098.3(CACNA1H):c.1747G>C (p.Glu583Gln)

Gene: CACNA1H (calcium voltage-gated channel subunit alpha1 H; plus strand). Cytogenetic location: 16p13.3.
Variant type: single nucleotide variant.
Coding change: c.1747G>C on transcript NM_021098.3 (MANE Select); coding-DNA position 1747, G replaced by C.
Protein change: p.Glu583Gln; replaces glutamic acid 583 with glutamine.
Molecular consequence: missense variant.
Genome position (GRCh38, 1-based): chr16:1,202,197, G>C. VCF-style: chr16-1202197-G-C. GRCh37 (hg19) VCF-style: chr16-1252197-G-C.
Other names: c.1747G>C, p.Glu583Gln (NM_001005407.2); short protein forms E583Q.
Identifiers: ClinVar variation 945694 (VCV000945694.9), dbSNP rs777448598, ClinGen allele CA276651614.